The following is an entry in ClinVar:

NM_182914.3(SYNE2):c.11390C>T (p.Thr3797Ile)

Gene: SYNE2 (spectrin repeat containing nuclear envelope protein 2; plus strand). Cytogenetic location: 14q23.2.
Variant type: single nucleotide variant.
Coding change: c.11390C>T on transcript NM_182914.3 (MANE Select); coding-DNA position 11390, C replaced by T.
Protein change: p.Thr3797Ile; replaces threonine 3797 with isoleucine.
Molecular consequence: missense variant.
Genome position (GRCh38, 1-based): chr14:64,081,486, C>T. VCF-style: chr14-64081486-C-T. GRCh37 (hg19) VCF-style: chr14-64548204-C-T.
Other names: c.11390C>T, p.Thr3797Ile (NM_015180.6); short protein forms T3797I.
Identifiers: ClinVar variation 1983333 (VCV001983333.4), dbSNP rs2548620023, ClinGen allele CA389942468.

ClinVar aggregate classification (germline): Uncertain significance (1 of 4 stars; one submission).

Conditions:
Emery-Dreifuss muscular dystrophy 5, autosomal dominant (EDMD5). Also called: EMERY-DREIFUSS MUSCULAR DYSTROPHY 5. Identifiers: Orphanet 261, MedGen C2751805, MONDO:0013072, OMIM 612999.

Submission:

Labcorp Genetics (formerly Invitae), Labcorp
Classification: Uncertain significance for Emery-Dreifuss muscular dystrophy 5, autosomal dominant. Last evaluated: 2025-04-24. Review status: criteria provided, single submitter. Criteria: Invitae Variant Classification Sherloc (09022015). Collection method: clinical testing. Allele origin: germline.
Comment: This sequence change replaces threonine, which is neutral and polar, with isoleucine, which is neutral and non-polar, at codon 3797 of the SYNE2 protein (p.Thr3797Ile). This variant is not present in population databases (gnomAD no frequency). This variant has not been reported in the literature in individuals affected with SYNE2-related conditions. ClinVar contains an entry for this variant (Variation ID: 1983333). An algorithm developed to predict the effect of missense changes on protein structure and function outputs the following: PolyPhen-2: "Benign". The isoleucine amino acid residue is found in multiple mammalian species, which suggests that this missense change does not adversely affect protein function. In summary, the available evidence is currently insufficient to determine the role of this variant in disease. Therefore, it has been classified as a Variant of Uncertain Significance.